The following is an entry in ClinVar:

NM_198578.4(LRRK2):c.7028+2T>C

Gene: LRRK2 (leucine rich repeat kinase 2; plus strand). Cytogenetic location: 12q12.
Variant type: single nucleotide variant.
Coding change: c.7028+2T>C on transcript NM_198578.4 (MANE Select); the canonical splice donor site of the intron after coding-DNA position 7028, T replaced by C.
Molecular consequence: splice donor variant.
Genome position (GRCh38, 1-based): chr12:40,359,446, T>C. VCF-style: chr12-40359446-T-C. GRCh37 (hg19) VCF-style: chr12-40753248-T-C.
Identifiers: ClinVar variation 1428944 (VCV001428944.7), dbSNP rs199567279, ClinGen allele CA6514817.
Genomic context (GRCh38, chr12:40,359,446, plus strand): 5'-TTCTCCTTTTCTAATGATTTCACCATTCAGAAACTCATTGAGACAAGAACAAGCCAACTG[T>C]AAGTTATTTTTTATCTGTACAAGTAATTTATCATTATACTTTTGTTTTTTCCTTATAATC-3'

ClinVar aggregate classification (germline): Uncertain significance. Review status: criteria provided, multiple submitters, no conflicts (2 of 4 stars). 2 submissions from 2 submitters: Uncertain significance (2). Last evaluated 2025-08-29.

Conditions:
Autosomal dominant Parkinson disease 8. Also called: Parkinson disease 8; Parkinson disease 8, susceptibility to; LRRK2-Related Parkinson Disease. Identifiers: Orphanet 411602, MedGen C1846862, MONDO:0011764, OMIM 607060.

Allele frequency attached by ClinVar (database versions not stated): gnomAD exomes 0.00001 and 0.00002; TOPMed 0.00001; gnomAD 0.00001; ExAC 0.00002.
gnomAD v4.1: 11 of 1,611,896 alleles (0.00068%); highest among the groups gnomAD compares: Admixed American, 0.017%; no homozygotes.

Submissions (2):

Labcorp Genetics (formerly Invitae), Labcorp
Classification: Uncertain significance for Autosomal dominant Parkinson disease 8. Last evaluated: 2025-08-29. Review status: criteria provided, single submitter. Criteria: Invitae Variant Classification Sherloc (09022015). Collection method: clinical testing. Allele origin: germline.
Comment: This sequence change affects a donor splice site in intron 47 of the LRRK2 gene. It is expected to disrupt RNA splicing. Variants that disrupt the donor or acceptor splice site typically lead to a loss of protein function (PMID: 16199547), however the current clinical and genetic evidence is not sufficient to establish whether loss-of-function variants in LRRK2 cause disease. This variant is present in population databases (rs199567279, gnomAD 0.02%). This variant has not been reported in the literature in individuals affected with LRRK2-related conditions. ClinVar contains an entry for this variant (Variation ID: 1428944). Algorithms developed to predict the effect of sequence changes on RNA splicing suggest that this variant may disrupt the consensus splice site. In summary, the available evidence is currently insufficient to determine the role of this variant in disease. Therefore, it has been classified as a Variant of Uncertain Significance.

3billion
Classification: Uncertain significance for Autosomal dominant Parkinson disease 8. Last evaluated: 2025-05-28. Review status: criteria provided, single submitter. Criteria: ACMG Guidelines, 2015. Collection method: clinical testing. Allele origin: germline. Affected: yes.
Comment: The variant is observed at an extremely low frequency in the gnomAD v4.1.0 dataset (total allele frequency: <0.001%). Predicted Consequence/Location: Canonical splice site: predicted to alter splicing and result in a loss or disruption of normal protein function. Multiple pathogenic loss-of-function variants are reported downstream of the variant. In silico tools predict the variant to alter splicing and produce an abnormal transcript [SpliceAI: 0.98 (spliceogenicity >=0.2, non-spliceogenicity <0.1)]. The variant has been reported as of uncertain significance (ClinVar ID: VCV001428944). Therefore, this variant is classified as VUS according to the recommendation of ACMG/AMP guideline.

Literature cited by the submitters: PubMed 16199547 (cited by Labcorp Genetics (formerly Invitae), Labcorp).